The following is an entry in ClinVar:

NM_138694.4(PKHD1):c.1836+1G>A

Gene: PKHD1 (PKHD1 ciliary IPT domain containing fibrocystin/polyductin; minus strand). Cytogenetic location: 6p12.2.
Variant type: single nucleotide variant.
Coding change: c.1836+1G>A on transcript NM_138694.4 (MANE Select); the canonical splice donor site of the intron after coding-DNA position 1836, G replaced by A.
Molecular consequence: splice donor variant.
Genome position (GRCh38, 1-based): chr6:52,055,586, C>T on the plus strand (G>A on the coding strand, the complement: PKHD1 is on the minus strand). VCF-style: chr6-52055586-C-T. GRCh37 (hg19) VCF-style: chr6-51920384-C-T.
Other names: c.1836+1G>A (NM_170724.3).
Identifiers: ClinVar variation 813388 (VCV000813388.17), dbSNP rs780898021, ClinGen allele CA3853427.
Genomic context (GRCh38, chr6:52,055,586, plus strand): 5'-ATCCAGAGAGCAATACCAATACCTACCCACCTGACCCAGAAGCACAAAGACTGCTACTCA[C>T]GTGTGTATACTGATCTAGCCGATAGCCCTTCTGGGCAGCCGGGGGAGTAAGGACAAGGTG-3'

ClinVar aggregate classification (germline): Pathogenic/Likely pathogenic. Review status: criteria provided, multiple submitters, no conflicts (2 of 4 stars). 4 submissions from 4 submitters: Pathogenic (2); Likely pathogenic (1). 1 of the submissions does not count toward it. Last evaluated 2025-11-05.

Conditions:
Autosomal recessive polycystic kidney disease (ARPKD). Also called: AR polycystic kidney disease. Identifiers: Orphanet 731, Orphanet 8378, MedGen C0085548, MeSH D017044, MONDO:0009889.
Polycystic kidney disease 4 (PKD4). Also called: POLYCYSTIC KIDNEY AND HEPATIC DISEASE 1; POLYCYSTIC KIDNEY DISEASE, INFANTILE, TYPE I; POLYCYSTIC KIDNEY DISEASE 4 WITH OR WITHOUT POLYCYSTIC LIVER DISEASE; Autosomal Recessive Polycystic Kidney Disease – PKHD1; PKD3. Identifiers: MedGen C4540575, MONDO:0033004, OMIM 263200.

Allele frequency attached by ClinVar (database versions not stated): gnomAD exomes below 0.00001; ExAC 0.00001; TOPMed 0.00002.

Submissions (4):

Natera, Inc.
Classification: Pathogenic for Autosomal recessive polycystic kidney disease. Last evaluated: 2025-11-05. Review status: criteria provided, single submitter. Criteria: Natera Variant Classification Schema (03/2026). Collection method: clinical testing. Allele origin: germline.
Comment: The c.1836+1G>A variant in PKHD1 is a canonical splice donor site variant predicted to affect pre-mRNA splicing, which may result in an abnormal transcript and altered protein product. This variant is expected to result in nonsense mediated decay, truncation, or a dysfunctional protein product. This variant is rare in the general population with a frequency below the threshold expected for the associated phenotype(s). This variant has been observed in one or more individuals affected with the associated recessive disease, as either homozygous or compound heterozygous with a second variant (PMID: 34536170). Given the available evidence, this variant is classified as Pathogenic.

GeneDx
Classification: Pathogenic. Last evaluated: 2025-02-10. Review status: criteria provided, single submitter. Criteria: GeneDx Variant Classification Process June 2021. Collection method: clinical testing. Allele origin: germline. Affected: yes.
Comment: Canonical splice site variant predicted to result in a null allele in a gene for which loss of function is a known mechanism of disease; Not observed at significant frequency in large population cohorts (gnomAD); This variant is associated with the following publications: (PMID: 36573973, 34536170)

Labcorp Genetics (formerly Invitae), Labcorp
Classification: Likely pathogenic for Autosomal recessive polycystic kidney disease. Last evaluated: 2023-09-12. Review status: criteria provided, single submitter. Criteria: Invitae Variant Classification Sherloc (09022015). Collection method: clinical testing. Allele origin: germline.
Comment: This sequence change affects a donor splice site in intron 19 of the PKHD1 gene. It is expected to disrupt RNA splicing. Variants that disrupt the donor or acceptor splice site typically lead to a loss of protein function (PMID: 16199547), and loss-of-function variants in PKHD1 are known to be pathogenic (PMID: 19940839). This variant is present in population databases (rs780898021, gnomAD 0.003%). This variant has not been reported in the literature in individuals affected with PKHD1-related conditions. ClinVar contains an entry for this variant (Variation ID: 813388). Algorithms developed to predict the effect of sequence changes on RNA splicing suggest that this variant may disrupt the consensus splice site. In summary, the currently available evidence indicates that the variant is pathogenic, but additional data are needed to prove that conclusively. Therefore, this variant has been classified as Likely Pathogenic.

Baylor Genetics
Classification: Likely pathogenic for Polycystic kidney disease 4. Review status: no assertion criteria provided. Collection method: clinical testing. Allele origin: unknown. Not counted in ClinVar's aggregate classification.

Literature cited by the submitters: PubMed 34536170 (cited by Natera, Inc.); PubMed 16199547 (cited by Labcorp Genetics (formerly Invitae), Labcorp); PubMed 19940839 (cited by Labcorp Genetics (formerly Invitae), Labcorp).